The following is an entry in ClinVar:

NM_021620.4(PRDM13):c.844G>C (p.Val282Leu)

Gene: PRDM13 (PR/SET domain 13; plus strand). Cytogenetic location: 6q16.2.
Variant type: single nucleotide variant.
Coding change: c.844G>C on transcript NM_021620.4 (MANE Select); coding-DNA position 844, G replaced by C.
Protein change: p.Val282Leu; replaces valine 282 with leucine.
Molecular consequence: missense variant.
Genome position (GRCh38, 1-based): chr6:99,613,479, G>C. VCF-style: chr6-99613479-G-C. GRCh37 (hg19) VCF-style: chr6-100061355-G-C.
Other names: c.844G>C (NM_021620.3); short protein forms V282L.
Identifiers: ClinVar variation 1388737 (VCV001388737.8), dbSNP rs1011273136, ClinGen allele CA143975157.

ClinVar aggregate classification (germline): Uncertain significance. Review status: criteria provided, multiple submitters, no conflicts (2 of 4 stars). 3 submissions from 3 submitters: Uncertain significance (3). Last evaluated 2024-11-26.

Conditions:
Inborn genetic diseases. Identifiers: MedGen C0950123, MeSH D030342.
PRDM13-related disorder. Also called: PRDM13-related condition.

gnomAD v4.1: 13 of 1,532,244 alleles (0.00085%); highest among the groups gnomAD compares: Middle Eastern, 0.068%; no homozygotes.

Submissions (3):

PreventionGenetics, part of Exact Sciences
Classification: Uncertain significance for PRDM13-related condition. Last evaluated: 2024-11-26. Review status: criteria provided, single submitter. Criteria: ACMG Guidelines, 2015. Collection method: clinical testing. Allele origin: germline.
Comment: The PRDM13 c.844G>C variant is predicted to result in the amino acid substitution p.Val282Leu. To our knowledge, this variant has not been reported in the literature. This variant is reported in 0.0019% of alleles in individuals of European (Non-Finnish) descent in gnomAD. At this time, the clinical significance of this variant is uncertain due to the absence of conclusive functional and genetic evidence.

Ambry Genetics
Classification: Uncertain significance for Inborn genetic diseases. Last evaluated: 2023-07-25. Review status: criteria provided, single submitter. Criteria: Ambry Variant Classification Scheme 2023. Collection method: clinical testing. Allele origin: germline.

Labcorp Genetics (formerly Invitae), Labcorp
Classification: Uncertain significance. Last evaluated: 2022-11-28. Review status: criteria provided, single submitter. Criteria: Invitae Variant Classification Sherloc (09022015). Collection method: clinical testing. Allele origin: germline.
Comment: This variant is present in population databases (no rsID available, gnomAD no frequency). In summary, the available evidence is currently insufficient to determine the role of this variant in disease. Therefore, it has been classified as a Variant of Uncertain Significance. Algorithms developed to predict the effect of missense changes on protein structure and function (SIFT, PolyPhen-2, Align-GVGD) all suggest that this variant is likely to be tolerated. ClinVar contains an entry for this variant (Variation ID: 1388737). This variant has not been reported in the literature in individuals affected with PRDM13-related conditions. This sequence change replaces valine, which is neutral and non-polar, with leucine, which is neutral and non-polar, at codon 282 of the PRDM13 protein (p.Val282Leu).